The following is an entry in ClinVar:

NM_004415.4(DSP):c.7129_7152del (p.Ile2377_His2384del)

Gene: DSP (desmoplakin; plus strand). Cytogenetic location: 6p24.3.
Variant type: Deletion.
Coding change: c.7129_7152del on transcript NM_004415.4 (MANE Select); coding-DNA positions 7129 to 7152, 24 bases deleted (ATCATTGACCCAAAGGAGAGCCAT).
Protein change: p.Ile2377_His2384del.
Molecular consequence: inframe deletion.
Genome position (GRCh38, 1-based): chr6:7,584,391-7,584,414, ATCATTGACCCAAAGGAGAGCCAT deleted. VCF-style (leftmost placement, unchanged base first): chr6-7584390-GATCATTGACCCAAAGGAGAGCCAT-G. GRCh37 (hg19) VCF-style: chr6-7584623-GATCATTGACCCAAAGGAGAGCCAT-G.
Other names: c.7129_7152del24 (NM_004415.2); c.5332_5355del, p.Ile1778_His1785del (NM_001008844.3); c.5800_5823del, p.Ile1934_His1941del (NM_001319034.2).
Identifiers: ClinVar variation 1513344 (VCV001513344.7), dbSNP rs2113701695, ClinGen allele CA2573140820.

ClinVar aggregate classification (germline): Uncertain significance. Review status: criteria provided, multiple submitters, no conflicts (2 of 4 stars). 2 submissions from 2 submitters: Uncertain significance (2). Last evaluated 2024-06-06.

Conditions:
Cardiovascular phenotype. Identifiers: MedGen CN230736.
Arrhythmogenic right ventricular dysplasia 8 (ARVD8). Also called: Arrhythmogenic Right Ventricular Dysplasia/Cardiomyopathy 8; ARRHYTHMOGENIC RIGHT VENTRICULAR DYSPLASIA, FAMILIAL, 8; ARRHYTHMOGENIC RIGHT VENTRICULAR CARDIOMYOPATHY 8. Identifiers: MedGen C1843896, MONDO:0011831, OMIM 607450.
Arrhythmogenic cardiomyopathy with wooly hair and keratoderma. Also called: Arrhythmogenic cardiomyopathy with woolly hair and keratoderma; Carvajal syndrome; PALMOPLANTAR KERATODERMA WITH LEFT VENTRICULAR CARDIOMYOPATHY AND WOOLLY HAIR; Dilated cardiomyopathy with woolly hair and keratoderma. Identifiers: Orphanet 65282, MedGen C1854063, MONDO:0011581, OMIM 605676.

Submissions (2):

Ambry Genetics
Classification: Uncertain significance for Cardiovascular phenotype. Last evaluated: 2024-06-06. Review status: criteria provided, single submitter. Criteria: Ambry Variant Classification Scheme 2023. Collection method: clinical testing. Allele origin: germline.
Comment: The c.7129_7152del24 variant (also known as p.I2377_H2384del) is located in coding exon 24 of the DSP gene. This variant results from an in-frame ATCATTGACCCAAAGGAGAGCCAT deletion at nucleotide positions 7129 to 7152. This results in the in-frame deletion of eight amino acids from codon 2377 to 2384. These amino acid positions range from highly conserved to well conserved in available vertebrate species. In addition, this alteration is predicted to be deleterious by in silico analysis (Choi Y et al. PLoS ONE. 2012; 7(10):e46688). Based on the available evidence, the clinical significance of this variant remains unclear.

Labcorp Genetics (formerly Invitae), Labcorp
Classification: Uncertain significance for Arrhythmogenic cardiomyopathy with wooly hair and keratoderma; Arrhythmogenic right ventricular dysplasia 8. Last evaluated: 2021-11-12. Review status: criteria provided, single submitter. Criteria: Invitae Variant Classification Sherloc (09022015). Collection method: clinical testing. Allele origin: germline.
Comment: In summary, the available evidence is currently insufficient to determine the role of this variant in disease. Therefore, it has been classified as a Variant of Uncertain Significance. This variant has not been reported in the literature in individuals affected with DSP-related conditions. This variant is not present in population databases (gnomAD no frequency). This variant, c.7129_7152del, results in the deletion of 8 amino acid(s) of the DSP protein (p.Ile2377_His2384del), but otherwise preserves the integrity of the reading frame.